The following is an entry in ClinVar:

ClinVar aggregate classification (germline): Uncertain significance. Review status: criteria provided, multiple submitters, no conflicts (2 of 4 stars). 2 submissions from 2 submitters: Uncertain significance (2). Last evaluated 2026-04-10.

Conditions:
CCM2-related disorder. Also called: CCM2-related condition.
Cerebral cavernous malformation 2. Also called: Familial Cerebral Cavernous Malformation 2. Identifiers: Orphanet 221061, MedGen C1864041, MONDO:0011304, OMIM 603284.

Submissions (2):

PreventionGenetics, part of Exact Sciences
Classification: Uncertain significance for CCM2-related condition. Last evaluated: 2026-04-10. Review status: criteria provided, single submitter. Criteria: ACMG Guidelines, 2015. Collection method: clinical testing. Allele origin: germline.
Comment: The CCM2 c.193_195delAAG variant is predicted to result in an in-frame deletion (p.Lys65del). To our knowledge, this variant has not been reported in the literature or in a large population database (gnomAD), indicating this variant is rare. At PreventionGenetics, we have observed this variant in two individuals with or undergoing testing for cerebral cavernous malformations (internal data). An outside laboratory has also observed this variant in a patient with features of cerebral cavernous malformations (ClinVar ID: 949782). Although we suspect that this variant may be pathogenic, at this time, the clinical significance of this variant is uncertain due to the absence of conclusive functional and genetic evidence.

Labcorp Genetics (formerly Invitae), Labcorp
Classification: Uncertain significance for Cerebral cavernous malformation 2. Last evaluated: 2024-04-25. Review status: criteria provided, single submitter. Criteria: Invitae Variant Classification Sherloc (09022015). Collection method: clinical testing. Allele origin: germline.
Comment: This variant, c.193_195del, results in the deletion of 1 amino acid(s) of the CCM2 protein (p.Lys65del), but otherwise preserves the integrity of the reading frame. This variant is not present in population databases (gnomAD no frequency). This variant has been observed in individual(s) with multiple cerebral cavernous malformations (Invitae). ClinVar contains an entry for this variant (Variation ID: 949782). Experimental studies and prediction algorithms are not available or were not evaluated, and the functional significance of this variant is currently unknown. In summary, the available evidence is currently insufficient to determine the role of this variant in disease. Therefore, it has been classified as a Variant of Uncertain Significance.

NM_031443.4(CCM2):c.193_195del (p.Lys65del)

Gene: CCM2 (CCM2 scaffold protein; plus strand). Cytogenetic location: 7p13.
Variant type: Deletion.
Coding change: c.193_195del on transcript NM_031443.4 (MANE Select); coding-DNA positions 193 to 195, 3 bases deleted (AAG; older notation c.193_195delAAG).
Protein change: p.Lys65del; deletes lysine 65.
Molecular consequence: inframe deletion. On other transcripts: non-coding transcript variant (1), intron variant (2).
Genome position (GRCh38, 1-based): chr7:45,038,415-45,038,417, AAG deleted; deleting any 3 consecutive bases within chr7:45,038,413-45,038,417 gives the same sequence; the c. name uses the placement nearest the transcript's 3' end. VCF-style (leftmost placement, unchanged base first): chr7-45038412-GAGA-G. GRCh37 (hg19) VCF-style: chr7-45078011-GAGA-G.
Other names: c.193_195delAAG (NM_031443.3); c.256_258del, p.Lys86del (NM_001029835.2); c.193_195del, p.Lys65del (NM_001167935.2, NM_001363458.2); c.31-25503_31-25501del (NM_001363459.2, NM_001167934.2); short protein forms K65del, K86del.
Identifiers: ClinVar variation 949782 (VCV000949782.10), dbSNP rs1797329314, ClinGen allele CA1139660065.